The following is an entry in ClinVar:

ClinVar aggregate classification (germline): Uncertain significance (1 of 4 stars; one submission).

Conditions:
Hereditary cancer-predisposing syndrome. Also called: Neoplastic Syndromes, Hereditary; Tumor predisposition; Hereditary neoplastic syndrome; Hereditary Cancer Syndrome. Identifiers: Orphanet 140162, MedGen C0027672, MeSH D009386, MONDO:0015356.

Submission:

Ambry Genetics
Classification: Uncertain significance for Hereditary cancer-predisposing syndrome. Last evaluated: 2024-02-23. Review status: criteria provided, single submitter. Criteria: Ambry Variant Classification Scheme 2023. Collection method: clinical testing. Allele origin: germline.
Comment: The p.K2641E variant (also known as c.7921A>G), located in coding exon 15 of the APC gene, results from an A to G substitution at nucleotide position 7921. The lysine at codon 2641 is replaced by glutamic acid, an amino acid with similar properties. This amino acid position is conserved. In addition, in silico predictors for this gene do not accurately predict pathogenicity. Based on the available evidence, the clinical significance of this alteration remains unclear.

NM_000038.6(APC):c.7921A>G (p.Lys2641Glu)

Gene: APC (APC regulator of Wnt signaling pathway; plus strand). Cytogenetic location: 5q22.2.
Variant type: single nucleotide variant.
Coding change: c.7921A>G on transcript NM_000038.6 (MANE Select); coding-DNA position 7921, A replaced by G.
Protein change: p.Lys2641Glu; replaces lysine 2641 with glutamic acid.
Molecular consequence: missense variant. On other transcripts: non-coding transcript variant (2).
Genome position (GRCh38, 1-based): chr5:112,843,515, A>G. VCF-style: chr5-112843515-A-G. GRCh37 (hg19) VCF-style: chr5-112179212-A-G.
Other names: c.7921A>G, p.Lys2641Glu (NM_001127510.3, NM_001354895.2, NM_001407450.1); c.7867A>G, p.Lys2623Glu (NM_001127511.3); c.7975A>G, p.Lys2659Glu (NM_001354896.2, NM_001407447.1, NM_001407448.1 and 1 more transcripts); c.7951A>G, p.Lys2651Glu (NM_001354897.2); c.7846A>G, p.Lys2616Glu (NM_001354898.2); c.7837A>G, p.Lys2613Glu (NM_001354899.2); c.7798A>G, p.Lys2600Glu (NM_001354900.2); c.7744A>G, p.Lys2582Glu (NM_001354901.2, NM_001407453.1); and 11 more; short protein forms K2257E, K2358E, K2481E, K2512E, K2515E, K2540E, K2550E, K2558E.
Identifiers: ClinVar variation 3231603 (VCV003231603.1), dbSNP rs2149996230, ClinGen allele CA16038531.